The following is an entry in ClinVar:

ClinVar aggregate classification (germline): Pathogenic (1 of 4 stars; one submission).

Submission:

Labcorp Genetics (formerly Invitae), Labcorp
Classification: Pathogenic. Last evaluated: 2022-06-17. Review status: criteria provided, single submitter. Criteria: Invitae Variant Classification Sherloc (09022015). Collection method: clinical testing. Allele origin: germline.
Comment: This variant has not been reported in the literature in individuals affected with NR2E3-related conditions. For these reasons, this variant has been classified as Pathogenic. This variant disrupts a region of the NR2E3 protein in which other variant(s) (p.Arg309Gly) have been determined to be pathogenic (PMID: 655056, 15459973, 19718767; Invitae). This suggests that this is a clinically significant region of the protein, and that variants that disrupt it are likely to be disease-causing. This variant results in the deletion of part of exon 4 and exons 5-6 (c.485_995-97del) of the NR2E3 gene. It is expected to disrupt RNA splicing. Variants that disrupt the donor or acceptor splice site typically lead to a loss of protein function (PMID: 16199547), and loss-of-function variants in NR2E3 are known to be pathogenic (PMID: 15459973, 27522502).

Literature cited by the submitters: PubMed 655056; PubMed 15459973; PubMed 19718767; PubMed 16199547; PubMed 27522502.

NC_000015.9:g.(?_72104430)_(72106256_?)del

Gene: NR2E3 (nuclear receptor subfamily 2 group E member 3; plus strand). Cytogenetic location: 15q23.
Variant type: Deletion.
Identifiers: ClinVar variation 2425925 (VCV002425925.4).